The following is an entry in ClinVar:

NM_000168.6(GLI3):c.4385T>C (p.Ile1462Thr)

Gene: GLI3 (GLI family zinc finger 3; minus strand). Cytogenetic location: 7p14.1.
Variant type: single nucleotide variant.
Coding change: c.4385T>C on transcript NM_000168.6 (MANE Select); coding-DNA position 4385, T replaced by C.
Protein change: p.Ile1462Thr; replaces isoleucine 1462 with threonine.
Molecular consequence: missense variant.
Genome position (GRCh38, 1-based): chr7:41,964,688, A>G on the plus strand (T>C on the coding strand, the complement: GLI3 is on the minus strand). VCF-style: chr7-41964688-A-G. GRCh37 (hg19) VCF-style: chr7-42004286-A-G.
Other names: short protein forms I1462T.
Identifiers: ClinVar variation 2530205 (VCV002530205.3), dbSNP rs371464477, ClinGen allele CA4230140.
Genomic context (GRCh38, chr7:41,964,688, plus strand): 5'-GGGGAAAGTAACTCAGAGTTTTTGGCGCTGGTCCCCTGTAGCAGGCAGCTGGCGTCTGAA[A>G]TAGAGAATGAACCAGCTTTCGTGTCTTGCTGACTGAAGCCCACGGTTTGGTCATAGAACT-3'
Protein context (NP_000159.3, residues 1452-1472): QQDTKAGSFS[Ile1462Thr]SDASCLLQGT

ClinVar aggregate classification (germline): Uncertain significance. Review status: criteria provided, multiple submitters, no conflicts (2 of 4 stars). 2 submissions from 2 submitters: Uncertain significance (2). Last evaluated 2024-12-11.

Conditions:
Inborn genetic diseases. Identifiers: MedGen C0950123, MeSH D030342.
GLI3-related disorder. Also called: GLI3-related disorders; GLI3-related condition. Identifiers: MedGen CN239292.

Allele frequency attached by ClinVar (database versions not stated): ExAC 0.00001; gnomAD 0.00001; gnomAD exomes 0.00001; TOPMed 0.00002; ESP Exome Variant Server 0.00008.
gnomAD v4.1: 9 of 1,614,034 alleles (0.00056%); highest among the groups gnomAD compares: South Asian, 0.0055%; no homozygotes.

Submissions (2):

PreventionGenetics, part of Exact Sciences
Classification: Uncertain significance for GLI3-related condition. Last evaluated: 2024-12-11. Review status: criteria provided, single submitter. Criteria: ACMG Guidelines, 2015. Collection method: clinical testing. Allele origin: germline.
Comment: The GLI3 c.4385T>C variant is predicted to result in the amino acid substitution p.Ile1462Thr. To our knowledge, this variant has not been reported in the literature. This variant is reported in 0.0098% of alleles in individuals of South Asian descent in gnomAD. At this time, the clinical significance of this variant is uncertain due to the absence of conclusive functional and genetic evidence.

Ambry Genetics
Classification: Uncertain significance for Inborn genetic diseases. Last evaluated: 2023-03-27. Review status: criteria provided, single submitter. Criteria: Ambry Variant Classification Scheme 2023. Collection method: clinical testing. Allele origin: germline.